The following is an entry in ClinVar:

NM_006231.4(POLE):c.733A>G (p.Asn245Asp)

Gene: POLE (DNA polymerase epsilon, catalytic subunit; minus strand). Cytogenetic location: 12q24.33.
Variant type: single nucleotide variant.
Coding change: c.733A>G on transcript NM_006231.4 (MANE Select); coding-DNA position 733, A replaced by G.
Protein change: p.Asn245Asp; replaces asparagine 245 with aspartic acid.
Molecular consequence: missense variant.
Genome position (GRCh38, 1-based): chr12:132,677,431, T>C on the plus strand (A>G on the coding strand, the complement: POLE is on the minus strand). VCF-style: chr12-132677431-T-C. GRCh37 (hg19) VCF-style: chr12-133254017-T-C.
Other names: c.733A>G (NM_006231.2); short protein forms N245D.
Identifiers: ClinVar variation 1058170 (VCV001058170.10), dbSNP rs1209099929, ClinGen allele CA387364537.

ClinVar aggregate classification (germline): Uncertain significance. Review status: criteria provided, multiple submitters, no conflicts (2 of 4 stars). 2 submissions from 2 submitters: Uncertain significance (2). Last evaluated 2025-07-27.

Conditions:
Hereditary cancer-predisposing syndrome. Also called: Neoplastic Syndromes, Hereditary; Hereditary Cancer Syndrome; Hereditary neoplastic syndrome; Tumor predisposition. Identifiers: Orphanet 140162, MedGen C0027672, MeSH D009386, MONDO:0015356.

Allele frequency attached by ClinVar (database versions not stated): gnomAD exomes below 0.00001 and 0.00001; gnomAD 0.00001.
gnomAD v4.1: 5 of 1,613,868 alleles (0.00031%); highest among the groups gnomAD compares: Admixed American, 0.005%; no homozygotes.

Submissions (2):

Labcorp Genetics (formerly Invitae), Labcorp
Classification: Uncertain significance. Last evaluated: 2025-07-27. Review status: criteria provided, single submitter. Criteria: Invitae Variant Classification Sherloc (09022015). Collection method: clinical testing. Allele origin: germline.
Comment: This sequence change replaces asparagine, which is neutral and polar, with aspartic acid, which is acidic and polar, at codon 245 of the POLE protein (p.Asn245Asp). This variant is present in population databases (no rsID available, gnomAD 0.006%). This variant has not been reported in the literature in individuals affected with POLE-related conditions. ClinVar contains an entry for this variant (Variation ID: 1058170). Invitae Evidence Modeling of protein sequence and biophysical properties (such as structural, functional, and spatial information, amino acid conservation, physicochemical variation, residue mobility, and thermodynamic stability) indicates that this missense variant is not expected to disrupt POLE protein function with a negative predictive value of 80%. In summary, the available evidence is currently insufficient to determine the role of this variant in disease. Therefore, it has been classified as a Variant of Uncertain Significance.

Ambry Genetics
Classification: Uncertain significance for Hereditary cancer-predisposing syndrome. Last evaluated: 2024-06-30. Review status: criteria provided, single submitter. Criteria: Ambry Variant Classification Scheme 2023. Collection method: clinical testing. Allele origin: germline.
Comment: The p.N245D variant (also known as c.733A>G), located in coding exon 8 of the POLE gene, results from an A to G substitution at nucleotide position 733. The asparagine at codon 245 is replaced by aspartic acid, an amino acid with highly similar properties. This amino acid position is conserved. In addition, this alteration is predicted to be tolerated by in silico analysis. Based on the available evidence, the clinical significance of this variant remains unclear.